The following is an entry in ClinVar:

NM_004482.4(GALNT3):c.1820C>T (p.Ser607Leu)

Gene: GALNT3 (polypeptide N-acetylgalactosaminyltransferase 3; minus strand). Cytogenetic location: 2q24.3.
Variant type: single nucleotide variant.
Coding change: c.1820C>T on transcript NM_004482.4 (MANE Select); coding-DNA position 1820, C replaced by T.
Protein change: p.Ser607Leu; replaces serine 607 with leucine.
Molecular consequence: missense variant.
Genome position (GRCh38, 1-based): chr2:165,748,863, G>A on the plus strand (C>T on the coding strand, the complement: GALNT3 is on the minus strand). VCF-style: chr2-165748863-G-A. GRCh37 (hg19) VCF-style: chr2-166605373-G-A.
Other names: c.1820C>T (NM_004482.3); short protein forms S607L.
Identifiers: ClinVar variation 597026 (VCV000597026.8), dbSNP rs766791673, ClinGen allele CA1940835.

ClinVar aggregate classification (germline): Uncertain significance. Review status: criteria provided, multiple submitters, no conflicts (2 of 4 stars). 3 submissions from 3 submitters: Uncertain significance (3). Last evaluated 2024-10-20.

Conditions:
Inborn genetic diseases. Identifiers: MedGen C0950123, MeSH D030342.

Allele frequency attached by ClinVar (database versions not stated): gnomAD exomes 0.00001; ExAC 0.00002.
gnomAD v4.1: 6 of 1,611,146 alleles (0.00037%); highest among the groups gnomAD compares: Middle Eastern, 0.05%; no homozygotes.

Submissions (3):

Ambry Genetics
Classification: Uncertain significance for Inborn genetic diseases. Last evaluated: 2024-10-20. Review status: criteria provided, single submitter. Criteria: Ambry Variant Classification Scheme 2023. Collection method: clinical testing. Allele origin: germline.

Labcorp Genetics (formerly Invitae), Labcorp
Classification: Uncertain significance. Last evaluated: 2024-06-03. Review status: criteria provided, single submitter. Criteria: Invitae Variant Classification Sherloc (09022015). Collection method: clinical testing. Allele origin: germline.
Comment: This sequence change replaces serine, which is neutral and polar, with leucine, which is neutral and non-polar, at codon 607 of the GALNT3 protein (p.Ser607Leu). This variant is present in population databases (rs766791673, gnomAD 0.0009%). This variant has not been reported in the literature in individuals affected with GALNT3-related conditions. ClinVar contains an entry for this variant (Variation ID: 597026). Advanced modeling of protein sequence and biophysical properties (such as structural, functional, and spatial information, amino acid conservation, physicochemical variation, residue mobility, and thermodynamic stability) performed at Invitae indicates that this missense variant is not expected to disrupt GALNT3 protein function with a negative predictive value of 80%. Algorithms developed to predict the effect of sequence changes on RNA splicing suggest that this variant may disrupt the consensus splice site. In summary, the available evidence is currently insufficient to determine the role of this variant in disease. Therefore, it has been classified as a Variant of Uncertain Significance.

Eurofins Ntd Llc (ga)
Classification: Uncertain significance. Last evaluated: 2018-05-21. Review status: criteria provided, single submitter. Criteria: EGL ClinVar v180209 classification definitions. Collection method: clinical testing. Allele origin: germline. Observed: 2 variant alleles, 2 heterozygotes.